The following is an entry in ClinVar:

NM_006904.7(PRKDC):c.304C>G (p.Pro102Ala)

Gene: PRKDC (protein kinase, DNA-activated, catalytic subunit; minus strand). Cytogenetic location: 8q11.21.
Variant type: single nucleotide variant.
Coding change: c.304C>G on transcript NM_006904.7 (MANE Select); coding-DNA position 304, C replaced by G.
Protein change: p.Pro102Ala; replaces proline 102 with alanine.
Molecular consequence: missense variant.
Genome position (GRCh38, 1-based): chr8:47,957,191, G>C on the plus strand (C>G on the coding strand, the complement: PRKDC is on the minus strand). VCF-style: chr8-47957191-G-C. GRCh37 (hg19) VCF-style: chr8-48869751-G-C.
Other names: c.304C>G, p.Pro102Ala (NM_001081640.2); short protein forms P102A.
Identifiers: ClinVar variation 1799240 (VCV001799240.2), dbSNP rs1462849968, ClinGen allele CA371140900.

ClinVar aggregate classification (germline): Uncertain significance (1 of 4 stars; one submission).

Submission:

Ambry Genetics
Classification: Uncertain significance. Last evaluated: 2022-09-20. Review status: criteria provided, single submitter. Criteria: Ambry Variant Classification Scheme 2023. Collection method: clinical testing. Allele origin: germline.
Comment: The p.P102A variant (also known as c.304C>G), located in coding exon 3 of the PRKDC gene, results from a C to G substitution at nucleotide position 304. The proline at codon 102 is replaced by alanine, an amino acid with highly similar properties. This amino acid position is conserved. In addition, this alteration is predicted to be tolerated by in silico analysis. Since supporting evidence is limited at this time, the clinical significance of this alteration remains unclear.